The following is an entry in ClinVar:

ClinVar aggregate classification (germline): Pathogenic (1 of 4 stars; one submission).

Conditions:
Refsum disease, classic. Also called: HEREDOPATHIA ATACTICA POLYNEURITIFORMIS; HMSN IV; PHYTANIC ACID OXIDASE DEFICIENCY; PHYH-Related Refsum Disease. Identifiers: Orphanet 773, MedGen C5780941, MONDO:1060256, OMIM 266500. Disease mechanism: loss of function.

Submission:

Myriad Genetics, Inc.
Classification: Pathogenic for Refsum disease, classic. Last evaluated: 2026-03-18. Review status: criteria provided, single submitter. Criteria: Myriad Autosomal Dominant, Autosomal Recessive and X-Linked Classification Criteria (2023). Collection method: clinical testing. Allele origin: unknown.
Comment: NM_006214.3(PHYH):c.364C>T(Q122*) is a nonsense variant classified as pathogenic in the context of Refsum disease, PHYH-related. Q122* has been observed in a case with relevant disease (PMID: 38927562). Relevant functional assessments of this variant are not available in the literature. Q122* has not been observed in referenced population frequency databases. In summary, NM_006214.3(PHYH):c.364C>T(Q122*) is a nonsense variant in a gene where loss of function is a known mechanism of disease and is predicted to disrupt protein function. Please note: this variant was assessed in the context of healthy population screening.

Literature cited by the submitters: PubMed 38927562.

NM_006214.4(PHYH):c.364C>T (p.Gln122Ter)

Gene: PHYH (phytanoyl-CoA 2-hydroxylase; minus strand). Cytogenetic location: 10p13.
Variant type: single nucleotide variant.
Coding change: c.364C>T on transcript NM_006214.4 (MANE Select); coding-DNA position 364, C replaced by T.
Protein change: p.Gln122Ter; replaces glutamine 122 with a stop codon.
Molecular consequence: nonsense.
Genome position (GRCh38, 1-based): chr10:13,294,478, G>A on the plus strand (C>T on the coding strand, the complement: PHYH is on the minus strand). VCF-style: chr10-13294478-G-A. GRCh37 (hg19) VCF-style: chr10-13336478-G-A.
Other names: c.64C>T, p.Gln22Ter (NM_001323084.2, NM_001037537.2, NM_001323080.2); c.364C>T, p.Gln122Ter (NM_001323082.2, NM_001323083.2); short protein forms Q122*, Q22*.
Identifiers: ClinVar variation 5003884 (VCV005003884.1).
Genomic context (GRCh38, chr10:13,294,478, plus strand): 5'-GGTCTCTGACCTCGGGGAGAGTGCAGTATCTGAAGAGCTCCTTATCTTCCTGGAAATCCT[G>A]GACCTTCGTGATCATCTTCTCACTTGGAGCATATTCGGATTTCGAAATGGTCACATCTCT-3'